The following is an entry in ClinVar:

ClinVar aggregate classification (germline): Pathogenic (1 of 4 stars; one submission).

Allele frequency attached by ClinVar (database versions not stated): gnomAD 0.00001; TOPMed 0.00001.
gnomAD v4.1: 2 of 1,614,034 alleles (0.00012%); highest among the groups gnomAD compares: African/African-American, 0.0013%; no homozygotes.

Submission:

Labcorp Genetics (formerly Invitae), Labcorp
Classification: Pathogenic. Last evaluated: 2021-05-28. Review status: criteria provided, single submitter. Criteria: Invitae Variant Classification Sherloc (09022015). Collection method: clinical testing. Allele origin: germline.
Comment: This sequence change creates a premature translational stop signal (p.Gln113*) in the TRPM1 gene. It is expected to result in an absent or disrupted protein product. Loss-of-function variants in TRPM1 are known to be pathogenic (PMID: 19896113, 19966281, 20300565). For these reasons, this variant has been classified as Pathogenic. This variant has not been reported in the literature in individuals with TRPM1-related conditions. This variant is not present in population databases (ExAC no frequency).

Literature cited by the submitters: PubMed 19896113; PubMed 19966281; PubMed 20300565.

NM_001252024.2(TRPM1):c.403C>T (p.Gln135Ter)

Gene: TRPM1 (transient receptor potential cation channel subfamily M member 1; minus strand). Cytogenetic location: 15q13.3.
Variant type: single nucleotide variant.
Coding change: c.403C>T on transcript NM_001252024.2 (MANE Select); coding-DNA position 403, C replaced by T.
Protein change: p.Gln135Ter; replaces glutamine 135 with a stop codon.
Molecular consequence: nonsense.
Genome position (GRCh38, 1-based): chr15:31,067,969, G>A on the plus strand (C>T on the coding strand, the complement: TRPM1 is on the minus strand). VCF-style: chr15-31067969-G-A. GRCh37 (hg19) VCF-style: chr15-31360172-G-A.
Other names: c.454C>T, p.Gln152Ter (NM_001252020.2); c.337C>T, p.Gln113Ter (NM_002420.6); short protein forms Q113*, Q135*, Q152*.
Identifiers: ClinVar variation 1452756 (VCV001452756.6), dbSNP rs2034427601, ClinGen allele CA391534623.
Genomic context (GRCh38, chr15:31,067,969, plus strand): 5'-CCCCGGTGGTCATAGCAGCCTTGATCAGGCCTTTCCCAAAGACTTGTTTCAGCTTGGGCT[G>A]CATCTCAAAGTTCTGGAGGCCTCCATGCACAGATATTAAGAGCTTGGGGAGTTCCAGCTG-3'